The following is an entry in ClinVar:

ClinVar aggregate classification (germline): Uncertain significance (1 of 4 stars; one submission).

Conditions:
Juvenile polyposis syndrome (JPS). Identifiers: Orphanet 2929, MedGen C0345893, MONDO:0017380, OMIM 174900.

Submission:

Labcorp Genetics (formerly Invitae), Labcorp
Classification: Uncertain significance for Juvenile polyposis syndrome. Last evaluated: 2024-12-18. Review status: criteria provided, single submitter. Criteria: Invitae Variant Classification Sherloc (09022015). Collection method: clinical testing. Allele origin: germline.
Comment: This sequence change replaces aspartic acid, which is acidic and polar, with asparagine, which is neutral and polar, at codon 529 of the BMPR1A protein (p.Asp529Asn). This variant is not present in population databases (gnomAD no frequency). This variant has not been reported in the literature in individuals affected with BMPR1A-related conditions. Invitae Evidence Modeling of protein sequence and biophysical properties (such as structural, functional, and spatial information, amino acid conservation, physicochemical variation, residue mobility, and thermodynamic stability) indicates that this missense variant is not expected to disrupt BMPR1A protein function with a negative predictive value of 80%. In summary, the available evidence is currently insufficient to determine the role of this variant in disease. Therefore, it has been classified as a Variant of Uncertain Significance.

NM_004329.3(BMPR1A):c.1585G>A (p.Asp529Asn)

Gene: BMPR1A (bone morphogenetic protein receptor type 1A; plus strand). Cytogenetic location: 10q23.2.
Variant type: single nucleotide variant.
Coding change: c.1585G>A on transcript NM_004329.3 (MANE Select); coding-DNA position 1585, G replaced by A.
Protein change: p.Asp529Asn; replaces aspartic acid 529 with asparagine.
Molecular consequence: missense variant. On other transcripts: non-coding transcript variant (3).
Genome position (GRCh38, 1-based): chr10:86,923,705, G>A. VCF-style: chr10-86923705-G-A. GRCh37 (hg19) VCF-style: chr10-88683462-G-A.
Other names: c.1585G>A, p.Asp529Asn (NM_001406568.1, NM_001406569.1, NM_001406570.1 and 19 more transcripts); c.1660G>A, p.Asp554Asn (NM_001406559.1); c.1633G>A, p.Asp545Asn (NM_001406560.1); c.1579G>A, p.Asp527Asn (NM_001406583.1); c.1501G>A, p.Asp501Asn (NM_001406584.1, NM_001406585.1, NM_001406586.1 and 2 more transcripts); c.1243G>A, p.Asp415Asn (NM_001406589.1); short protein forms D415N, D527N, D554N, D501N, D529N, D545N.
Identifiers: ClinVar variation 3664757 (VCV003664757.2).